The following is an entry in ClinVar:

NM_001368894.2(PAX6):c.407C>A (p.Ser136Ter)

Gene: PAX6 (paired box 6; minus strand). Cytogenetic location: 11p13.
Variant type: single nucleotide variant.
Coding change: c.407C>A on transcript NM_001368894.2 (MANE Select); coding-DNA position 407, C replaced by A.
Protein change: p.Ser136Ter; replaces serine 136 with a stop codon.
Molecular consequence: nonsense. On other transcripts: 5 prime UTR variant (14), non-coding transcript variant (2).
Genome position (GRCh38, 1-based): chr11:31,800,849, G>T on the plus strand (C>A on the coding strand, the complement: PAX6 is on the minus strand). VCF-style: chr11-31800849-G-T. GRCh37 (hg19) VCF-style: chr11-31822397-G-T.
Other names: c.407C>A, p.Ser136Ter (NM_001368892.2, NM_001368893.2, NM_001368912.2 and 6 more transcripts); c.-44C>A (NM_001368899.2, NM_001368900.2, NM_001368901.2 and 11 more transcripts); c.608C>A, p.Ser203Ter (NM_001368910.2); c.410C>A, p.Ser137Ter (NM_001368911.2); c.365C>A, p.Ser122Ter (NM_001368915.2, NM_001368916.2, NM_001368917.2 and 10 more transcripts); c.482C>A, p.Ser161Ter (NM_001368918.2, NM_001368919.2); c.440C>A, p.Ser147Ter (NM_001368920.2); c.206C>A, p.Ser69Ter (NM_001368921.2, NM_001368922.2, NM_001368923.2 and 4 more transcripts); and 1 more; short protein forms S122*, S137*, S147*, S161*, S55*, S203*, S69*, S136*.
Identifiers: ClinVar variation 488710 (VCV000488710.6), dbSNP rs1554985100, ClinGen allele CA379958404.
Genomic context (GRCh38, chr11:31,800,849, plus strand): 5'-ATGCCGTCTGCGCCCATCTGTTGCTTTTCGCTAGCCAGGTTGCGAAGAACTCTGTTTATT[G>T]ATGACACCTGCAAATCAAACCAAAATCAAACCAAATGGTAGTGTCTCCTGAAGACACAGT-3'

ClinVar aggregate classification (germline): Pathogenic/Likely pathogenic. Review status: criteria provided, multiple submitters, no conflicts (2 of 4 stars). 2 submissions from 2 submitters: Pathogenic (1); Likely pathogenic (1). Last evaluated 2023-11-19.

Conditions:
Aniridia 1 (AN1). Identifiers: Orphanet 250923, MedGen C0344542, MONDO:0024507, OMIM 106210.
Irido-corneo-trabecular dysgenesis (ASGD5). Also called: ANTERIOR SEGMENT DYSGENESIS 5. Identifiers: Orphanet 708, MedGen C0344559, MONDO:0011414, OMIM 604229, HP:0000659.

Submissions (2):

Labcorp Genetics (formerly Invitae), Labcorp
Classification: Pathogenic for Aniridia 1; Irido-corneo-trabecular dysgenesis. Last evaluated: 2023-11-19. Review status: criteria provided, single submitter. Criteria: Invitae Variant Classification Sherloc (09022015). Collection method: clinical testing. Allele origin: germline.
Comment: This sequence change creates a premature translational stop signal (p.Ser122*) in the PAX6 gene. It is expected to result in an absent or disrupted protein product. Loss-of-function variants in PAX6 are known to be pathogenic (PMID: 12634864). This variant is not present in population databases (gnomAD no frequency). This premature translational stop signal has been observed in individuals with aniridia (PMID: 18483559, 28018434). It has also been observed to segregate with disease in related individuals. ClinVar contains an entry for this variant (Variation ID: 488710). For these reasons, this variant has been classified as Pathogenic.

GeneDx
Classification: Likely pathogenic. Last evaluated: 2017-04-07. Review status: criteria provided, single submitter. Criteria: GeneDx Variant Classification (06012015). Collection method: clinical testing. Allele origin: germline. Affected: yes.
Comment: The S122X nonsense variant in the PAX6 gene has been reported previously in association with aniridia (Redeker et al., 2008). This variant is predicted to cause loss of normal protein function either through premature protein truncation or nonsense-mediated mRNA decay. S122X in the PAX6 gene is classified as a likely pathogenic variant based on review of the data in the context of the 2015 ACMG standards and guidelines for the interpretation of sequence variants (Richards et al., 2015).

Literature cited by the submitters: PubMed 12634864 (cited by Labcorp Genetics (formerly Invitae), Labcorp); PubMed 18483559 (cited by Labcorp Genetics (formerly Invitae), Labcorp); PubMed 28018434 (cited by Labcorp Genetics (formerly Invitae), Labcorp).